The following is an entry in ClinVar:

ClinVar aggregate classification (germline): Uncertain significance (1 of 4 stars; one submission).

Allele frequency attached by ClinVar (database versions not stated): TOPMed below 0.00001; ExAC 0.00001; gnomAD 0.00001.
gnomAD v4.1: 3 of 1,612,918 alleles (0.00019%); highest among the groups gnomAD compares: African/African-American, 0.004%; no homozygotes.

Submission:

Labcorp Genetics (formerly Invitae), Labcorp
Classification: Uncertain significance. Last evaluated: 2022-06-27. Review status: criteria provided, single submitter. Criteria: Invitae Variant Classification Sherloc (09022015). Collection method: clinical testing. Allele origin: germline.
Comment: This sequence change replaces glutamic acid, which is acidic and polar, with alanine, which is neutral and non-polar, at codon 287 of the USH2A protein (p.Glu287Ala). The frequency data for this variant in the population databases is considered unreliable, as metrics indicate poor data quality at this position in the gnomAD database. This variant has not been reported in the literature in individuals affected with USH2A-related conditions. Algorithms developed to predict the effect of missense changes on protein structure and function output the following: SIFT: "Deleterious"; PolyPhen-2: "Benign"; Align-GVGD: "Class C0". The alanine amino acid residue is found in multiple mammalian species, which suggests that this missense change does not adversely affect protein function. In summary, the available evidence is currently insufficient to determine the role of this variant in disease. Therefore, it has been classified as a Variant of Uncertain Significance.

NM_206933.4(USH2A):c.860A>C (p.Glu287Ala)

Gene: USH2A (usherin; minus strand). Cytogenetic location: 1q41.
Variant type: single nucleotide variant.
Coding change: c.860A>C on transcript NM_206933.4 (MANE Select); coding-DNA position 860, A replaced by C.
Protein change: p.Glu287Ala; replaces glutamic acid 287 with alanine.
Molecular consequence: missense variant.
Genome position (GRCh38, 1-based): chr1:216,325,588, T>G on the plus strand (A>C on the coding strand, the complement: USH2A is on the minus strand). VCF-style: chr1-216325588-T-G. GRCh37 (hg19) VCF-style: chr1-216498930-T-G.
Other names: c.860A>C, p.Glu287Ala (NM_007123.6); short protein forms E287A.
Identifiers: ClinVar variation 1440168 (VCV001440168.6), dbSNP rs775281649, ClinGen allele CA1396654.